The following is an entry in ClinVar:

NM_022051.3(EGLN1):c.345G>T (p.Lys115Asn)

Gene: EGLN1 (egl-9 family hypoxia inducible factor 1; minus strand). Cytogenetic location: 1q42.2.
Variant type: single nucleotide variant.
Coding change: c.345G>T on transcript NM_022051.3 (MANE Select); coding-DNA position 345, G replaced by T.
Protein change: p.Lys115Asn; replaces lysine 115 with asparagine.
Molecular consequence: missense variant.
Genome position (GRCh38, 1-based): chr1:231,421,544, C>A on the plus strand (G>T on the coding strand, the complement: EGLN1 is on the minus strand). VCF-style: chr1-231421544-C-A. GRCh37 (hg19) VCF-style: chr1-231557290-C-A.
Other names: c.345G>T, p.Lys115Asn (NM_001377260.1, NM_001377261.1); short protein forms K115N.
Identifiers: ClinVar variation 1052579 (VCV001052579.7), dbSNP rs1307321781, ClinGen allele CA345237554.

ClinVar aggregate classification (germline): Uncertain significance. Review status: criteria provided, multiple submitters, no conflicts (2 of 4 stars). 2 submissions from 2 submitters: Uncertain significance (2). Last evaluated 2025-11-09.

Conditions:
Erythrocytosis, familial, 3 (ECYT3). Identifiers: Orphanet 247511, MedGen C1853286, MONDO:0012353, OMIM 609820.

Allele frequency attached by ClinVar (database versions not stated): gnomAD exomes below 0.00001; gnomAD 0.00001.
gnomAD v4.1: 4 of 1,305,210 alleles (0.00031%); highest among the groups gnomAD compares: Non-Finnish European, 0.00019%; no homozygotes.

Submissions (2):

Labcorp Genetics (formerly Invitae), Labcorp
Classification: Uncertain significance for Erythrocytosis, familial, 3. Last evaluated: 2025-11-09. Review status: criteria provided, single submitter. Criteria: Invitae Variant Classification Sherloc (09022015). Collection method: clinical testing. Allele origin: germline.
Comment: This sequence change replaces lysine, which is basic and polar, with asparagine, which is neutral and polar, at codon 115 of the EGLN1 protein (p.Lys115Asn). This variant is present in population databases (no rsID available, gnomAD 0.007%). This variant has not been reported in the literature in individuals affected with EGLN1-related conditions. ClinVar contains an entry for this variant (Variation ID: 1052579). An algorithm developed to predict the effect of missense changes on protein structure and function (PolyPhen-2) suggests that this variant is likely to be tolerated. In summary, the available evidence is currently insufficient to determine the role of this variant in disease. Therefore, it has been classified as a Variant of Uncertain Significance.

Ambry Genetics
Classification: Uncertain significance. Last evaluated: 2024-02-11. Review status: criteria provided, single submitter. Criteria: Ambry Variant Classification Scheme 2023. Collection method: clinical testing. Allele origin: germline.
Comment: The p.K115N variant (also known as c.345G>T), located in coding exon 1 of the EGLN1 gene, results from a G to T substitution at nucleotide position 345. The lysine at codon 115 is replaced by asparagine, an amino acid with similar properties. This amino acid position is conserved. In addition, this alteration is predicted to be tolerated by in silico analysis. Since supporting evidence is limited at this time, the clinical significance of this alteration remains unclear.